The following is an entry in ClinVar:

NM_006859.4(LIAS):c.218+1G>A

Gene: LIAS (lipoic acid synthetase; plus strand). Cytogenetic location: 4p14.
Variant type: single nucleotide variant.
Coding change: c.218+1G>A on transcript NM_006859.4 (MANE Select); the canonical splice donor site of the intron after coding-DNA position 218, G replaced by A.
Molecular consequence: splice donor variant.
Genome position (GRCh38, 1-based): chr4:39,460,963, G>A. VCF-style: chr4-39460963-G-A. GRCh37 (hg19) VCF-style: chr4-39462583-G-A.
Other names: c.218+1G>A (NM_194451.3, NM_001278590.2, NM_001363700.2 and 2 more transcripts).
Identifiers: ClinVar variation 2814833 (VCV002814833.4), dbSNP rs779113995, ClinGen allele CA2894608.

ClinVar aggregate classification (germline): Likely pathogenic. Review status: criteria provided, multiple submitters, no conflicts (2 of 4 stars). 2 submissions from 2 submitters: Likely pathogenic (2). Last evaluated 2024-04-15.

Conditions:
Lipoic acid synthetase deficiency. Also called: HYPERGLYCINEMIA, LACTIC ACIDOSIS, AND SEIZURES. Identifiers: Orphanet 401859, MedGen C3280887, MONDO:0013762, OMIM 614462.

Allele frequency attached by ClinVar (database versions not stated): gnomAD exomes 0.00001; ExAC 0.00003.
gnomAD v4.1: 10 of 1,581,332 alleles (0.00063%); highest among the groups gnomAD compares: East Asian, 0.0022%; no homozygotes.

Submissions (2):

Women's Health and Genetics/Laboratory Corporation of America, LabCorp
Classification: Likely pathogenic for Lipoic acid synthetase deficiency. Last evaluated: 2024-04-15. Review status: criteria provided, single submitter. Criteria: LabCorp Variant Classification Summary - May 2015. Collection method: clinical testing. Allele origin: germline.
Comment: Variant summary: LIAS c.218+1G>A is located in a canonical splice-site and is predicted to affect mRNA splicing resulting in a significantly altered protein due to either exon skipping, shortening, or inclusion of intronic material. Several computational tools predict a significant impact on normal splicing: Four predict the variant abolishes a canonical 5' splicing donor site. However, these predictions have yet to be confirmed by functional studies. The variant allele was found at a frequency of 1.3e-05 in 228068 control chromosomes (gnomAD). To our knowledge, no occurrence of c.218+1G>A in individuals affected with Pyruvate Dehydrogenase Lipoic Acid Synthetase Deficiency and no experimental evidence demonstrating its impact on protein function have been reported. ClinVar contains an entry for this variant (Variation ID: 2814833). Based on the evidence outlined above, the variant was classified as likely pathogenic.

Labcorp Genetics (formerly Invitae), Labcorp
Classification: Likely pathogenic for Lipoic acid synthetase deficiency. Last evaluated: 2022-11-23. Review status: criteria provided, single submitter. Criteria: Invitae Variant Classification Sherloc (09022015). Collection method: clinical testing. Allele origin: germline.
Comment: This variant has not been reported in the literature in individuals affected with LIAS-related conditions. This variant is present in population databases (rs779113995, gnomAD 0.003%). This sequence change affects a donor splice site in intron 2 of the LIAS gene. It is expected to disrupt RNA splicing. Variants that disrupt the donor or acceptor splice site typically lead to a loss of protein function (PMID: 16199547), and loss-of-function variants in LIAS are known to be pathogenic (PMID: 24334290, 27923773). Algorithms developed to predict the effect of sequence changes on RNA splicing suggest that this variant may disrupt the consensus splice site. In summary, the currently available evidence indicates that the variant is pathogenic, but additional data are needed to prove that conclusively. Therefore, this variant has been classified as Likely Pathogenic.

Literature cited by the submitters: PubMed 16199547 (cited by Labcorp Genetics (formerly Invitae), Labcorp); PubMed 24334290 (cited by Labcorp Genetics (formerly Invitae), Labcorp); PubMed 27923773 (cited by Labcorp Genetics (formerly Invitae), Labcorp).